The following is an entry in ClinVar:

ClinVar aggregate classification (germline): Likely pathogenic (1 of 4 stars; one submission).

Conditions:
Niemann-Pick disease, type C1. Also called: NIEMANN-PICK DISEASE, VARIANT TYPE C1; NEUROVISCERAL STORAGE DISEASE WITH VERTICAL SUPRANUCLEAR OPHTHALMOPLEGIA; NIEMANN-PICK DISEASE WITH CHOLESTEROL ESTERIFICATION BLOCK; NIEMANN-PICK DISEASE WITHOUT SPHINGOMYELINASE DEFICIENCY; NIEMANN-PICK DISEASE, CHRONIC NEURONOPATHIC FORM. Identifiers: Orphanet 646, MedGen C3179455, MONDO:0009757, OMIM 257220.

Submission:

Labcorp Genetics (formerly Invitae), Labcorp
Classification: Likely pathogenic for Niemann-Pick disease, type C1. Last evaluated: 2022-05-27. Review status: criteria provided, single submitter. Criteria: Invitae Variant Classification Sherloc (09022015). Collection method: clinical testing. Allele origin: germline.
Comment: Advanced modeling of protein sequence and biophysical properties (such as structural, functional, and spatial information, amino acid conservation, physicochemical variation, residue mobility, and thermodynamic stability) performed at Invitae indicates that this missense variant is expected to disrupt NPC1 protein function. Algorithms developed to predict the effect of sequence changes on RNA splicing suggest that this variant may disrupt the consensus splice site. This variant has not been reported in the literature in individuals affected with NPC1-related conditions. This variant is not present in population databases (gnomAD no frequency). In summary, the currently available evidence indicates that the variant is pathogenic, but additional data are needed to prove that conclusively. Therefore, this variant has been classified as Likely Pathogenic. This variant disrupts the p.Glu1089 amino acid residue in NPC1. Other variant(s) that disrupt this residue have been determined to be pathogenic (PMID: 11349231, 28105569, 29971198). This suggests that this residue is clinically significant, and that variants that disrupt this residue are likely to be disease-causing. This sequence change replaces glutamic acid, which is acidic and polar, with glycine, which is neutral and non-polar, at codon 1089 of the NPC1 protein (p.Glu1089Gly).

Literature cited by the submitters: PubMed 11349231; PubMed 28105569; PubMed 29971198.

NM_000271.5(NPC1):c.3266A>G (p.Glu1089Gly)

Gene: NPC1 (NPC intracellular cholesterol transporter 1; minus strand). Cytogenetic location: 18q11.2.
Variant type: single nucleotide variant.
Coding change: c.3266A>G on transcript NM_000271.5 (MANE Select); coding-DNA position 3266, A replaced by G.
Protein change: p.Glu1089Gly; replaces glutamic acid 1089 with glycine.
Molecular consequence: missense variant.
Genome position (GRCh38, 1-based): chr18:23,535,680, T>C on the plus strand (A>G on the coding strand, the complement: NPC1 is on the minus strand). VCF-style: chr18-23535680-T-C. GRCh37 (hg19) VCF-style: chr18-21115644-T-C.
Other names: short protein forms E1089G.
Identifiers: ClinVar variation 1999767 (VCV001999767.4), dbSNP rs2511191394, ClinGen allele CA401791569.
Genomic context (GRCh38, chr18:23,535,680, plus strand): 5'-ATCGCGCCCAGGGACACACCGAGGTTGAAGATAGTGTCGTCAATGATGGTCAGGTACTGT[T>C]CGTAGAAGACATAAAACACACTGGAGGGGAGAGGGGAGGCCTCATTAAAGCTCGCTCTCA-3'
Protein context (NP_000262.2, residues 1079-1099): FPYSVFYVFY[Glu1089Gly]QYLTIIDDTI